The following is an entry in ClinVar:

NM_019112.4(ABCA7):c.4158_4164dup (p.Asp1389delinsProValTer)

Gene: ABCA7 (ATP binding cassette subfamily A member 7; plus strand). Cytogenetic location: 19p13.3.
Variant type: Duplication.
Coding change: c.4158_4164dup on transcript NM_019112.4 (MANE Select); coding-DNA positions 4158 to 4164, 7 bases duplicated (CCTGTCT; older notation c.4158_4164dupCCTGTCT).
Protein change: p.Asp1389delinsProValTer.
Molecular consequence: nonsense.
Genome position (GRCh38, 1-based): chr19:1,055,304-1,055,310, CCTGTCT duplicated. VCF-style (leftmost placement, unchanged base first): chr19-1055303-A-ACCTGTCT. GRCh37 (hg19) VCF-style: chr19-1055302-A-ACCTGTCT.
Identifiers: ClinVar variation 4854054 (VCV004854054.1).

ClinVar aggregate classification (germline): Likely pathogenic (1 of 4 stars; one submission).

Conditions:
Alzheimer disease 9. Also called: ALZHEIMER DISEASE 9, SUSCEPTIBILITY TO; ALZHEIMER DISEASE 9, LATE-ONSET. Identifiers: MedGen C4282179, MONDO:0012153, OMIM 608907.

Submission:

3billion
Classification: Likely pathogenic for Alzheimer disease 9. Last evaluated: 2025-06-11. Review status: criteria provided, single submitter. Criteria: ACMG Guidelines, 2015. Collection method: clinical testing. Allele origin: germline. Affected: yes.
Comment: The variant is observed at an extremely low frequency in the gnomAD v4.1.0 dataset (total allele frequency: <0.001%). Predicted Consequence/Location: Frameshift: predicted to result in a loss or disruption of normal protein function through nonsense-mediated decay (NMD) or protein truncation. Multiple pathogenic variants are reported downstream of the variant. Therefore, this variant is classified as Likely pathogenic according to the recommendation of ACMG/AMP guideline.